The following is an entry in ClinVar:

NM_001127208.3(TET2):c.1072A>G (p.Ser358Gly)

Genes: TET2 (tet methylcytosine dioxygenase 2; plus strand), TET2-AS1 (TET2 antisense RNA 1; minus strand). Cytogenetic location: 4q24.
Variant type: single nucleotide variant.
Coding change: c.1072A>G on transcript NM_001127208.3 (MANE Select); coding-DNA position 1072, A replaced by G.
Protein change: p.Ser358Gly; replaces serine 358 with glycine.
Molecular consequence: missense variant.
Genome position (GRCh38, 1-based): chr4:105,235,014, A>G. VCF-style: chr4-105235014-A-G. GRCh37 (hg19) VCF-style: chr4-106156171-A-G.
Other names: c.1072A>G, p.Ser358Gly (NM_017628.4); short protein forms S358G.
Identifiers: ClinVar variation 4752244 (VCV004752244.1).

ClinVar aggregate classification (germline): Uncertain significance (1 of 4 stars; one submission).

gnomAD v4.1: 24 of 1,614,056 alleles (0.0015%); highest among the groups gnomAD compares: Admixed American, 0.0033%; no homozygotes.

Submission:

Labcorp Genetics (formerly Invitae), Labcorp
Classification: Uncertain significance. Last evaluated: 2025-06-15. Review status: criteria provided, single submitter. Criteria: Invitae Variant Classification Sherloc (09022015). Collection method: clinical testing. Allele origin: germline.
Comment: This sequence change replaces serine, which is neutral and polar, with glycine, which is neutral and non-polar, at codon 358 of the TET2 protein (p.Ser358Gly). This variant is present in population databases (rs764469760, gnomAD 0.003%). This variant has not been reported in the literature in individuals affected with TET2-related conditions. An algorithm developed to predict the effect of missense changes on protein structure and function outputs the following: PolyPhen-2: "Benign". The glycine amino acid residue is found in multiple mammalian species, which suggests that this missense change does not adversely affect protein function. In summary, the available evidence is currently insufficient to determine the role of this variant in disease. Therefore, it has been classified as a Variant of Uncertain Significance.